The following is an entry in ClinVar:

ClinVar aggregate classification (germline): Likely pathogenic (1 of 4 stars; one submission).

Conditions:
Fabry disease. Also called: Fabry's disease; ALPHA-GALACTOSIDASE A DEFICIENCY; ANDERSON-FABRY DISEASE; CERAMIDE TRIHEXOSIDASE DEFICIENCY; GLA DEFICIENCY; HEREDITARY DYSTOPIC LIPIDOSIS. Identifiers: Orphanet 324, MedGen C0002986, MONDO:0010526, OMIM 301500, HP:0001071. Disease mechanism: Fabry disease is due to inactivating mutations in the X-linked GLA gene resulting in deficiency of the enzyme Alpha Galactosidase-A., loss of function.

Submission:

Genetics Laboratory, Great Ormond Street Hospital NHS Foundation Trust, North Thames Genomic Laboratory Hub
Classification: Likely pathogenic for Fabry disease. Last evaluated: 2025-12-30. Review status: criteria provided, single submitter. Criteria: ACGS Best Practice Guidelines for Variant Classification in Rare Disease 2024 v1.2. Collection method: clinical testing. Allele origin: germline. Affected: yes.
Comment: PM2_moderate, PP3_supporting, PM5_moderate, PP4_strong

NM_000169.3(GLA):c.644A>T (p.Asn215Ile)

Genes: GLA (galactosidase alpha; minus strand), RPL36A-HNRNPH2 (RPL36A-HNRNPH2 readthrough; plus strand). Cytogenetic location: Xq22.1.
Variant type: single nucleotide variant.
Coding change: c.644A>T on transcript NM_000169.3 (MANE Select); coding-DNA position 644, A replaced by T.
Protein change: p.Asn215Ile; replaces asparagine 215 with isoleucine.
Molecular consequence: missense variant. On other transcripts: non-coding transcript variant (3), intron variant (2).
Genome position (GRCh38, 1-based): chrX:101,398,942, T>A on the plus strand (A>T on the coding strand, the complement: GLA is on the minus strand). VCF-style: chrX-101398942-T-A. GRCh37 (hg19) VCF-style: chrX-100653930-T-A.
Other names: c.767A>T, p.Asn256Ile (NM_001406747.1); c.644A>T, p.Asn215Ile (NM_001406748.1); c.300+3485T>A (NM_001199973.2); c.177+7120T>A (NM_001199974.2); short protein forms N215I, N256I.
Identifiers: ClinVar variation 4796764 (VCV004796764.1).